The following is an entry in ClinVar:

ClinVar aggregate classification (germline): Uncertain significance (1 of 4 stars; one submission).

Conditions:
Autosomal dominant limb-girdle muscular dystrophy type 1F (LGMDD2). Also called: Limb-girdle muscular dystrophy, type 1F; MUSCULAR DYSTROPHY, LIMB-GIRDLE, AUTOSOMAL DOMINANT 2. Identifiers: Orphanet 55595, MedGen C1842062, MONDO:0012034, OMIM 608423.

Allele frequency attached by ClinVar (database versions not stated): gnomAD exomes 0.00001; TOPMed 0.00002; ExAC 0.00003; gnomAD 0.00003; 1000 Genomes Project 30x 0.00016; 1000 Genomes Project 0.00020.
gnomAD v4.1: 17 of 1,613,440 alleles (0.0011%); highest among the groups gnomAD compares: Middle Eastern, 0.017%; no homozygotes.

Submission:

Labcorp Genetics (formerly Invitae), Labcorp
Classification: Uncertain significance for Autosomal dominant limb-girdle muscular dystrophy type 1F. Last evaluated: 2023-10-13. Review status: criteria provided, single submitter. Criteria: Invitae Variant Classification Sherloc (09022015). Collection method: clinical testing. Allele origin: germline.
Comment: This sequence change replaces phenylalanine, which is neutral and non-polar, with cysteine, which is neutral and slightly polar, at codon 611 of the TNPO3 protein (p.Phe611Cys). This variant is present in population databases (rs201842578, gnomAD 0.007%). This variant has not been reported in the literature in individuals affected with TNPO3-related conditions. ClinVar contains an entry for this variant (Variation ID: 2169186). Advanced modeling of protein sequence and biophysical properties (such as structural, functional, and spatial information, amino acid conservation, physicochemical variation, residue mobility, and thermodynamic stability) performed at Invitae indicates that this missense variant is not expected to disrupt TNPO3 protein function. In summary, the available evidence is currently insufficient to determine the role of this variant in disease. Therefore, it has been classified as a Variant of Uncertain Significance.

NM_012470.4(TNPO3):c.1832T>G (p.Phe611Cys)

Gene: TNPO3 (transportin 3; minus strand). Cytogenetic location: 7q32.1.
Variant type: single nucleotide variant.
Coding change: c.1832T>G on transcript NM_012470.4 (MANE Select); coding-DNA position 1832, T replaced by G.
Protein change: p.Phe611Cys; replaces phenylalanine 611 with cysteine.
Molecular consequence: missense variant. On other transcripts: non-coding transcript variant (16).
Genome position (GRCh38, 1-based): chr7:128,982,275, A>C on the plus strand (T>G on the coding strand, the complement: TNPO3 is on the minus strand). VCF-style: chr7-128982275-A-C. GRCh37 (hg19) VCF-style: chr7-128622329-A-C.
Other names: c.1640T>G, p.Phe547Cys (NM_001191028.3, NM_001382223.1); c.1934T>G, p.Phe645Cys (NM_001382216.1); c.1913T>G, p.Phe638Cys (NM_001382217.1); c.1832T>G, p.Phe611Cys (NM_001382218.1, NM_001382220.1); c.1724T>G, p.Phe575Cys (NM_001382219.1); c.1688T>G, p.Phe563Cys (NM_001382221.1); c.1685T>G, p.Phe562Cys (NM_001382222.1); short protein forms F547C, F563C, F575C, F611C, F562C, F638C, F645C.
Identifiers: ClinVar variation 2169186 (VCV002169186.4), dbSNP rs201842578, ClinGen allele CA4478050.
Genomic context (GRCh38, chr7:128,982,275, plus strand): 5'-CCCAAGTAAGGCATCCAGAGTCTCCTTTCTTACCTAAATATCACTGCAAGGCGATCTAAG[A>C]ACACTGTGGGATCTGAGGATATGCCATTGCTGGGCTCTTGAGACAACAGCTGAAGAGACA-3'
Protein context (NP_036602.1, residues 601-621): SNGISSDPTV[Phe611Cys]LDRLAVIFRH